The following is an entry in ClinVar:

NM_002519.3(NPAT):c.431C>T (p.Ser144Leu)

Gene: NPAT (nuclear protein, coactivator of histone transcription; minus strand). Cytogenetic location: 11q22.3.
Variant type: single nucleotide variant.
Coding change: c.431C>T on transcript NM_002519.3 (MANE Select); coding-DNA position 431, C replaced by T.
Protein change: p.Ser144Leu; replaces serine 144 with leucine.
Molecular consequence: missense variant.
Genome position (GRCh38, 1-based): chr11:108,189,231, G>A on the plus strand (C>T on the coding strand, the complement: NPAT is on the minus strand). VCF-style: chr11-108189231-G-A. GRCh37 (hg19) VCF-style: chr11-108059958-G-A.
Other names: c.431C>T, p.Ser144Leu (NM_001321307.1); short protein forms S144L.
Identifiers: ClinVar variation 1739687 (VCV001739687.3), dbSNP rs2078139464, ClinGen allele CA382524825.
Genomic context (GRCh38, chr11:108,189,231, plus strand): 5'-ATTTGGCCACTTGGTCGAGTAACCTGTGTACCTGTGGAAGGAGGAGTGGTAAACTGTCCT[G>A]AAAGGTAAGGTAAAGTGAGCAACTCTGCACTGGCTGGAGCTGTTTGAGATGCAAGCTTTC-3'
Protein context (NP_002510.2, residues 134-154): SAELLTLPYL[Ser144Leu]GQFTTPPSTG

ClinVar aggregate classification (germline): Uncertain significance (1 of 4 stars; one submission).

Submission:

Ambry Genetics
Classification: Uncertain significance. Last evaluated: 2024-05-24. Review status: criteria provided, single submitter. Criteria: Ambry Variant Classification Scheme 2023. Collection method: clinical testing. Allele origin: germline.
Comment: The p.S144L variant (also known as c.431C>T), located in coding exon 6 of the NPAT gene, results from a C to T substitution at nucleotide position 431. The serine at codon 144 is replaced by leucine, an amino acid with dissimilar properties. This amino acid position is conserved. In addition, this alteration is predicted to be tolerated by in silico analysis. Since supporting evidence is limited at this time, the clinical significance of this alteration remains unclear.